The following is an entry in ClinVar:

ClinVar aggregate classification (germline): Uncertain significance (1 of 4 stars; one submission).

Allele frequency attached by ClinVar (database versions not stated): TOPMed below 0.00001.

Submission:

Labcorp Genetics (formerly Invitae), Labcorp
Classification: Uncertain significance. Last evaluated: 2024-02-26. Review status: criteria provided, single submitter. Criteria: Invitae Variant Classification Sherloc (09022015). Collection method: clinical testing. Allele origin: germline.
Comment: This sequence change replaces lysine, which is basic and polar, with arginine, which is basic and polar, at codon 289 of the PNPT1 protein (p.Lys289Arg). This variant is not present in population databases (gnomAD no frequency). This variant has not been reported in the literature in individuals affected with PNPT1-related conditions. ClinVar contains an entry for this variant (Variation ID: 1482379). An algorithm developed to predict the effect of missense changes on protein structure and function (PolyPhen-2) suggests that this variant is likely to be tolerated. In summary, the available evidence is currently insufficient to determine the role of this variant in disease. Therefore, it has been classified as a Variant of Uncertain Significance.

NM_033109.5(PNPT1):c.866A>G (p.Lys289Arg)

Gene: PNPT1 (polyribonucleotide nucleotidyltransferase 1; minus strand). Cytogenetic location: 2p16.1.
Variant type: single nucleotide variant.
Coding change: c.866A>G on transcript NM_033109.5 (MANE Select); coding-DNA position 866, A replaced by G.
Protein change: p.Lys289Arg; replaces lysine 289 with arginine.
Molecular consequence: missense variant.
Genome position (GRCh38, 1-based): chr2:55,672,893, T>C on the plus strand (A>G on the coding strand, the complement: PNPT1 is on the minus strand). VCF-style: chr2-55672893-T-C. GRCh37 (hg19) VCF-style: chr2-55900028-T-C.
Other names: short protein forms K289R.
Identifiers: ClinVar variation 1482379 (VCV001482379.8), dbSNP rs1454858067, ClinGen allele CA346933346.